The following is an entry in ClinVar:

ClinVar aggregate classification (germline): Uncertain significance (1 of 4 stars; one submission).

Conditions:
Paediatric disorders.

gnomAD v4.1: 46 of 1,606,582 alleles (0.0029%); highest among the groups gnomAD compares: Non-Finnish European, 0.0034%; no homozygotes.

Submission:

North West Genomic Laboratory Hub, Manchester University NHS Foundation Trust
Classification: Uncertain significance for Paediatric disorders. Last evaluated: 2026-04-27. Review status: criteria provided, single submitter. Criteria: ACGS Best Practice Guidelines for Variant Classification in Rare Disease 2024. Collection method: clinical testing. Allele origin: germline. Affected: yes.
Comment: PP2_Supp PP3_Supp

NM_001170629.2(CHD8):c.2372C>T (p.Pro791Leu)

Gene: CHD8 (chromodomain helicase DNA binding protein 8; minus strand). Cytogenetic location: 14q11.2.
Variant type: single nucleotide variant.
Coding change: c.2372C>T on transcript NM_001170629.2 (MANE Select); coding-DNA position 2372, C replaced by T.
Protein change: p.Pro791Leu; replaces proline 791 with leucine.
Molecular consequence: missense variant.
Genome position (GRCh38, 1-based): chr14:21,408,818, G>A on the plus strand (C>T on the coding strand, the complement: CHD8 is on the minus strand). VCF-style: chr14-21408818-G-A. GRCh37 (hg19) VCF-style: chr14-21876977-G-A.
Other names: c.1535C>T, p.Pro512Leu (NM_020920.4); short protein forms P512L, P791L.
Identifiers: ClinVar variation 4851468 (VCV004851468.1).